The following is an entry in ClinVar:

ClinVar aggregate classification (germline): Uncertain significance. Review status: criteria provided, multiple submitters, no conflicts (2 of 4 stars). 2 submissions from 2 submitters: Uncertain significance (2). Last evaluated 2023-05-16.

Conditions:
Hereditary cancer-predisposing syndrome. Also called: Hereditary Cancer Syndrome; Hereditary neoplastic syndrome; Neoplastic Syndromes, Hereditary; Tumor predisposition. Identifiers: Orphanet 140162, MedGen C0027672, MeSH D009386, MONDO:0015356.

Allele frequency attached by ClinVar (database versions not stated): TOPMed below 0.00001.

Submissions (3):

Labcorp Genetics (formerly Invitae), Labcorp
Classification: Uncertain significance. Last evaluated: 2023-05-16. Review status: criteria provided, single submitter. Criteria: Invitae Variant Classification Sherloc (09022015). Collection method: clinical testing. Allele origin: germline.
Comment: In summary, the available evidence is currently insufficient to determine the role of this variant in disease. Therefore, it has been classified as a Variant of Uncertain Significance. Variants that disrupt the consensus splice site are a relatively common cause of aberrant splicing (PMID: 17576681, 9536098). Algorithms developed to predict the effect of sequence changes on RNA splicing suggest that this variant is not likely to affect RNA splicing. ClinVar contains an entry for this variant (Variation ID: 1768429). This variant has not been reported in the literature in individuals affected with SMARCB1-related conditions. This variant is not present in population databases (gnomAD no frequency). This sequence change falls in intron 7 of the SMARCB1 gene. It does not directly change the encoded amino acid sequence of the SMARCB1 protein. It affects a nucleotide within the consensus splice site.

Ambry Genetics
Classification: Uncertain significance for Hereditary cancer-predisposing syndrome. Last evaluated: 2022-10-21. Review status: criteria provided, single submitter. Criteria: Ambry Variant Classification Scheme 2023. Collection method: clinical testing. Allele origin: germline.
Comment: The c.986+5G>A intronic variant results from a G to A substitution 5 nucleotides after coding exon 7 in the SMARCB1 gene. This nucleotide position is well conserved in available vertebrate species. In silico splice site analysis predicts that this alteration will not have any significant effect on splicing. Since supporting evidence is limited at this time, the clinical significance of this alteration remains unclear.

Dr. Peter K. Rogan Lab, Western University
No classification provided (evidence only). Condition: Malignant tumor of urinary bladder. Review status: no classification provided. Collection method: in vitro. Allele origin: not applicable. Functional consequence: skipped exon. Not counted in ClinVar's aggregate classification.

Literature cited by the submitters: PubMed 17576681 (cited by Labcorp Genetics (formerly Invitae), Labcorp); PubMed 9536098 (cited by Labcorp Genetics (formerly Invitae), Labcorp).

NM_003073.5(SMARCB1):c.986+5G>A

Gene: SMARCB1 (SWI/SNF related BAF chromatin remodeling complex subunit B1; plus strand). Cytogenetic location: 22q11.23.
Variant type: single nucleotide variant.
Coding change: c.986+5G>A on transcript NM_003073.5 (MANE Select); 5 bases into the intron after coding-DNA position 986, G replaced by A.
Molecular consequence: intron variant.
Genome position (GRCh38, 1-based): chr22:23,825,420, G>A. VCF-style: chr22-23825420-G-A. GRCh37 (hg19) VCF-style: chr22-24167607-G-A.
Other names: c.1013+5G>A (NM_001317946.2); c.959+5G>A (NM_001007468.3); c.1040+5G>A (NM_001362877.2).
Identifiers: ClinVar variation 1768429 (VCV001768429.8), dbSNP rs1555880607, ClinGen allele CA2397977054.